The following is an entry in ClinVar:

ClinVar aggregate classification (germline): Pathogenic (1 of 4 stars; one submission).

Conditions:
6-Pyruvoyl-tetrahydrobiopterin synthase deficiency. Also called: 6-Pyruvoyltetrahydropterin Synthase Deficiency; HYPERPHENYLALANINEMIA, TETRAHYDROBIOPTERIN-DEFICIENT, DUE TO PTS DEFICIENCY; Hyperphenylalanemia, BH4-deficient, A; Hyperphenylalaninemia due to 6-pyruvoyl-tetrahydropterin synthase deficiency; PTS-Related Tetrahydrobiopterin Deficiency; BH4-deficient hyperphenylalaninemia A. Identifiers: Orphanet 13, Orphanet 238583, MedGen C0878676, MONDO:0009863, OMIM 261640.

Submission:

Labcorp Genetics (formerly Invitae), Labcorp
Classification: Pathogenic for 6-Pyruvoyl-tetrahydrobiopterin synthase deficiency. Last evaluated: 2023-12-18. Review status: criteria provided, single submitter. Criteria: Invitae Variant Classification Sherloc (09022015). Collection method: clinical testing. Allele origin: germline.
Comment: This sequence change affects the initiator methionine of the PTS mRNA. The next in-frame methionine is located at codon 69. This variant is not present in population databases (gnomAD no frequency). Disruption of the initiator codon has been observed in individual(s) with tetrahydrobiopterin-deficient hyperphenylalaninemia (PMID: 22237589, 29499199, 30926181). This variant disrupts a region of the PTS protein in which other variant(s) (p.Thr67Met) have been determined to be pathogenic (PMID: 11438997, 11694255, 16850690, 22237589). This suggests that this is a clinically significant region of the protein, and that variants that disrupt it are likely to be disease-causing. For these reasons, this variant has been classified as Pathogenic.

Literature cited by the submitters: PubMed 22237589; PubMed 29499199; PubMed 30926181; PubMed 11438997; PubMed 11694255; PubMed 16850690.

NM_000317.3(PTS):c.3G>T (p.Met1Ile)

Genes: PTS (6-pyruvoyltetrahydropterin synthase; plus strand), LOC130006765 (ATAC-STARR-seq lymphoblastoid silent region 3906; plus strand). Cytogenetic location: 11q23.1.
Variant type: single nucleotide variant.
Coding change: c.3G>T on transcript NM_000317.3 (MANE Select); coding-DNA position 3, G replaced by T.
Protein change: p.Met1Ile; changes the start codon (methionine 1).
Molecular consequence: missense variant, initiator codon variant.
Genome position (GRCh38, 1-based): chr11:112,226,446, G>T. VCF-style: chr11-112226446-G-T. GRCh37 (hg19) VCF-style: chr11-112097169-G-T.
Other names: short protein forms M1I.
Identifiers: ClinVar variation 2704000 (VCV002704000.3), dbSNP rs2496560570, ClinGen allele CA382626302.